The following is an entry in ClinVar:

NM_001036.6(RYR3):c.1688A>C (p.His563Pro)

Gene: RYR3 (ryanodine receptor 3; plus strand). Cytogenetic location: 15q14.
Variant type: single nucleotide variant.
Coding change: c.1688A>C on transcript NM_001036.6 (MANE Select); coding-DNA position 1688, A replaced by C.
Protein change: p.His563Pro; replaces histidine 563 with proline.
Molecular consequence: missense variant.
Genome position (GRCh38, 1-based): chr15:33,586,016, A>C. VCF-style: chr15-33586016-A-C. GRCh37 (hg19) VCF-style: chr15-33878217-A-C.
Other names: c.1688A>C, p.His563Pro (NM_001243996.4); c.1688A>C (NM_001036.4); short protein forms H563P.
Identifiers: ClinVar variation 1007486 (VCV001007486.10), dbSNP rs771548354, ClinGen allele CA7458215.

ClinVar aggregate classification (germline): Uncertain significance. Review status: criteria provided, multiple submitters, no conflicts (2 of 4 stars). 2 submissions from 2 submitters: Uncertain significance (2). Last evaluated 2023-03-13.

Conditions:
Epileptic encephalopathy. Identifiers: MedGen C0543888, HP:0200134.
RYR3-related disorder. Also called: RYR3-related condition.

Allele frequency attached by ClinVar (database versions not stated): gnomAD exomes below 0.00001; ExAC 0.00001.
gnomAD v4.1: 1 of 1,611,616 alleles (0.000062%); highest among the groups gnomAD compares: Admixed American, 0.0017%; no homozygotes.

Submissions (2):

PreventionGenetics, part of Exact Sciences
Classification: Uncertain significance for RYR3-related condition. Last evaluated: 2023-03-13. Review status: criteria provided, single submitter. Criteria: ACMG Guidelines, 2015. Collection method: clinical testing. Allele origin: germline.
Comment: The RYR3 c.1688A>C variant is predicted to result in the amino acid substitution p.His563Pro. To our knowledge, this variant has not been reported in the literature. This variant is reported in 0.0029% of alleles in individuals of Latino descent in gnomAD. At this time, the clinical significance of this variant is uncertain due to the absence of conclusive functional and genetic evidence.

Labcorp Genetics (formerly Invitae), Labcorp
Classification: Uncertain significance for Epileptic encephalopathy. Last evaluated: 2020-04-06. Review status: criteria provided, single submitter. Criteria: Invitae Variant Classification Sherloc (09022015). Collection method: clinical testing. Allele origin: germline.
Comment: This variant is present in population databases (rs771548354, ExAC 0.009%). This sequence change replaces histidine with proline at codon 563 of the RYR3 protein (p.His563Pro). The histidine residue is highly conserved and there is a moderate physicochemical difference between histidine and proline. This variant has not been reported in the literature in individuals with RYR3-related conditions. In summary, the available evidence is currently insufficient to determine the role of this variant in disease. Therefore, it has been classified as a Variant of Uncertain Significance. Algorithms developed to predict the effect of missense changes on protein structure and function are either unavailable or do not agree on the potential impact of this missense change (SIFT: "Deleterious"; PolyPhen-2: "Probably Damaging"; Align-GVGD: "Class C0").